The following is an entry in ClinVar:

ClinVar aggregate classification (germline): Uncertain significance (1 of 4 stars; one submission).

Submission:

Labcorp Genetics (formerly Invitae), Labcorp
Classification: Uncertain significance. Last evaluated: 2024-08-28. Review status: criteria provided, single submitter. Criteria: Invitae Variant Classification Sherloc (09022015). Collection method: clinical testing. Allele origin: germline.
Comment: This sequence change replaces threonine, which is neutral and polar, with alanine, which is neutral and non-polar, at codon 414 of the SRP72 protein (p.Thr414Ala). This variant is not present in population databases (gnomAD no frequency). This variant has not been reported in the literature in individuals affected with SRP72-related conditions. Invitae Evidence Modeling of protein sequence and biophysical properties (such as structural, functional, and spatial information, amino acid conservation, physicochemical variation, residue mobility, and thermodynamic stability) indicates that this missense variant is not expected to disrupt SRP72 protein function with a negative predictive value of 80%. In summary, the available evidence is currently insufficient to determine the role of this variant in disease. Therefore, it has been classified as a Variant of Uncertain Significance.

NM_006947.4(SRP72):c.1240A>G (p.Thr414Ala)

Gene: SRP72 (signal recognition particle 72; plus strand). Cytogenetic location: 4q12.
Variant type: single nucleotide variant.
Coding change: c.1240A>G on transcript NM_006947.4 (MANE Select); coding-DNA position 1240, A replaced by G.
Protein change: p.Thr414Ala; replaces threonine 414 with alanine.
Molecular consequence: missense variant. On other transcripts: non-coding transcript variant (1).
Genome position (GRCh38, 1-based): chr4:56,489,403, A>G. VCF-style: chr4-56489403-A-G. GRCh37 (hg19) VCF-style: chr4-57355569-A-G.
Other names: c.1057A>G, p.Thr353Ala (NM_001267722.2); short protein forms T414A, T353A.
Identifiers: ClinVar variation 3679568 (VCV003679568.2).
Genomic context (GRCh38, chr4:56,489,403, plus strand): 5'-GGGAGTGAAGGGGGAGTTCACTAATTTATACCTTTGGCTGTGTAGGTATCTGCATTAGTT[A>G]CCATGTATAGCCATGAAGAAGATATTGATAGTGCCATTGAGGTCTTCACACAAGCTATCC-3'
Protein context (NP_008878.3, residues 404-424): HKPGMVSALV[Thr414Ala]MYSHEEDIDS